The following is an entry in ClinVar:

ClinVar aggregate classification (germline): Conflicting classifications of pathogenicity. Review status: criteria provided, conflicting classifications (1 of 4 stars). 4 submissions from 4 submitters: Uncertain significance (1); Benign (1). 2 of the submissions do not count toward it. Last evaluated 2026-01-17.

Conditions:
Rhizomelic chondrodysplasia punctata (RCDP). Identifiers: Orphanet 177, MedGen C0282529, MONDO:0015776. Disease mechanism: loss of function.
Rhizomelic chondrodysplasia punctata type 3 (RCDP3). Also called: ALKYLDIHYDROXYACETONEPHOSPHATE SYNTHASE DEFICIENCY; Alkylglycerone Phosphate Synthase (AGPS) deficiency. Identifiers: Orphanet 177, Orphanet 309803, MedGen C1838612, MONDO:0010823, OMIM 600121. Disease mechanism: loss of function.

Allele frequency attached by ClinVar (database versions not stated): TOPMed 0.00031; gnomAD 0.00034; ExAC 0.00128.
gnomAD v4.1: 296 of 1,549,984 alleles (0.019%); highest among the groups gnomAD compares: Admixed American, 0.08%; no homozygotes.

Submissions (4):

Labcorp Genetics (formerly Invitae), Labcorp
Classification: Benign. Last evaluated: 2026-01-17. Review status: criteria provided, single submitter. Criteria: Invitae Variant Classification Sherloc (09022015). Collection method: clinical testing. Allele origin: germline.

ARUP Laboratories, Molecular Genetics and Genomics, ARUP Laboratories
Classification: Uncertain significance for Rhizomelic chondrodysplasia punctata type 3. Last evaluated: 2019-01-03. Review status: criteria provided, single submitter. Criteria: ARUP Molecular Germline Variant Investigation Process. Collection method: clinical testing. Allele origin: germline.
Comment: The AGPS c.148C>T; p.Arg50Trp variant (rs778087162), to our knowledge, is not reported in the medical literature or in gene-specific databases. It is observed in the general population at an overall frequency of 0.049% (86/176930 alleles) with increased frequency in the Ashkenazi Jewish population (0.67%) in the Genome Aggregation Database. The arginine at codon 50 is weakly conserved, but computational algorithms (PolyPhen-2: benign, SIFT: damaging) predict conflicting effects of this variant on protein structure and/or function. Due to the lack of clinical and functional data regarding this variant, its clinical significance cannot be determined with certainty.

Natera, Inc.
Classification: Likely benign for Rhizomelic chondrodysplasia punctata. Last evaluated: 2020-04-27. Review status: no assertion criteria provided. Collection method: clinical testing. Allele origin: germline. Not counted in ClinVar's aggregate classification.

Department of Pathology and Laboratory Medicine, Sinai Health System
Classification: Uncertain significance. Review status: no assertion criteria provided. Collection method: clinical testing. Allele origin: unknown. Affected: yes. Study: The Canadian Open Genetics Repository (COGR). Not counted in ClinVar's aggregate classification.
Comment: The AGPS p.Arg50Trp variant was not identified in the literature nor was it identified in ClinVar or LOVD 3.0. The variant was identified in dbSNP (ID: rs778087162) and in control databases in 86 of 176930 chromosomes at a frequency of 0.0004861 (Genome Aggregation Database March 6, 2019, v2.1.1). The variant was observed in the following populations: Ashkenazi Jewish in 58 of 8600 chromosomes (freq: 0.006744), Latino in 17 of 25352 chromosomes (freq: 0.000671), Other in 3 of 5318 chromosomes (freq: 0.000564) and European (non-Finnish) in 8 of 69014 chromosomes (freq: 0.000116), but was not observed in the African, East Asian, European (Finnish) or South Asian populations. The p.Arg50 residue is not conserved in mammals and four out of five computational analyses (PolyPhen-2, SIFT, AlignGVGD, BLOSUM, MutationTaster) do not suggest a high likelihood of impact to the protein; however, this information is not predictive enough to rule out pathogenicity. The variant occurs outside of the splicing consensus sequence and in silico or computational prediction software programs (SpliceSiteFinder, MaxEntScan, NNSPLICE, GeneSplicer) do not predict a difference in splicing. In summary, based on the above information the clinical significance of this variant cannot be determined with certainty at this time. This variant is classified as a variant of uncertain significance.

NM_003659.4(AGPS):c.148C>T (p.Arg50Trp)

Genes: AGPS (alkylglycerone phosphate synthase; plus strand), LOC129935172 (ATAC-STARR-seq lymphoblastoid silent region 12147; plus strand). Cytogenetic location: 2q31.2.
Variant type: single nucleotide variant.
Coding change: c.148C>T on transcript NM_003659.4 (MANE Select); coding-DNA position 148, C replaced by T.
Protein change: p.Arg50Trp; replaces arginine 50 with tryptophan.
Molecular consequence: missense variant.
Genome position (GRCh38, 1-based): chr2:177,392,937, C>T. VCF-style: chr2-177392937-C-T. GRCh37 (hg19) VCF-style: chr2-178257665-C-T.
Other names: short protein forms R50W.
Identifiers: ClinVar variation 790910 (VCV000790910.20), dbSNP rs778087162, ClinGen allele CA1980012.